The following is an entry in ClinVar:

ClinVar aggregate classification (germline): Pathogenic/Likely pathogenic. Review status: criteria provided, multiple submitters, no conflicts (2 of 4 stars). 2 submissions from 2 submitters: Pathogenic (1); Likely pathogenic (1). Last evaluated 2025-11-19.

Conditions:
Congenital sideroblastic anemia-B-cell immunodeficiency-periodic fever-developmental delay syndrome. Also called: Sideroblastic anemia with B-cell immunodeficiency, periodic fevers, and developmental delay. Identifiers: Orphanet 369861, MedGen C4015172, MONDO:0014487, OMIM 616084.
Developmental and epileptic encephalopathy, 57. Also called: EPILEPTIC ENCEPHALOPATHY, EARLY INFANTILE, 57. Identifiers: MedGen C4540411, MONDO:0033366, OMIM 617771.

Allele frequency attached by ClinVar (database versions not stated): TOPMed 0.00002; gnomAD 0.00003; ESP Exome Variant Server 0.00008.
gnomAD v4.1: 26 of 1,613,528 alleles (0.0016%); highest among the groups gnomAD compares: Middle Eastern, 0.016%; no homozygotes.

Submissions (2):

Labcorp Genetics (formerly Invitae), Labcorp
Classification: Pathogenic for Congenital sideroblastic anemia-B-cell immunodeficiency-periodic fever-developmental delay syndrome. Last evaluated: 2025-11-19. Review status: criteria provided, single submitter. Criteria: Invitae Variant Classification Sherloc (09022015). Collection method: clinical testing. Allele origin: germline.
Comment: This sequence change creates a premature translational stop signal (p.Arg412*) in the TRNT1 gene. While this is not anticipated to result in nonsense mediated decay, it is expected to disrupt the last 23 amino acid(s) of the TRNT1 protein. This variant is present in population databases (rs372367989, gnomAD 0.01%). This variant has not been reported in the literature in individuals affected with TRNT1-related conditions. ClinVar contains an entry for this variant (Variation ID: 2157768). Algorithms developed to predict the effect of sequence changes on RNA splicing suggest that this variant may create or strengthen a splice site. This variant disrupts a region of the TRNT1 protein in which other variant(s) (p.Ser418Lysfs*9) have been determined to be pathogenic (PMID: 25193871, 26494905, 29358286). This suggests that this is a clinically significant region of the protein, and that variants that disrupt it are likely to be disease-causing. For these reasons, this variant has been classified as Pathogenic.

Genomic Medicine Center of Excellence, King Faisal Specialist Hospital and Research Centre
Classification: Likely pathogenic for Developmental and epileptic encephalopathy, 57. Last evaluated: 2025-09-10. Review status: criteria provided, single submitter. Criteria: ACMG Guidelines, 2015. Collection method: clinical testing. Allele origin: germline.

Literature cited by the submitters: PubMed 25193871 (cited by Labcorp Genetics (formerly Invitae), Labcorp); PubMed 26494905 (cited by Labcorp Genetics (formerly Invitae), Labcorp); PubMed 29358286 (cited by Labcorp Genetics (formerly Invitae), Labcorp).

NM_182916.3(TRNT1):c.1234C>T (p.Arg412Ter)

Gene: TRNT1 (tRNA nucleotidyl transferase 1; plus strand). Cytogenetic location: 3p26.2.
Variant type: single nucleotide variant.
Coding change: c.1234C>T on transcript NM_182916.3 (MANE Select); coding-DNA position 1234, C replaced by T.
Protein change: p.Arg412Ter; replaces arginine 412 with a stop codon.
Molecular consequence: nonsense. On other transcripts: non-coding transcript variant (8).
Genome position (GRCh38, 1-based): chr3:3,148,083, C>T. VCF-style: chr3-3148083-C-T. GRCh37 (hg19) VCF-style: chr3-3189767-C-T.
Other names: c.1174C>T, p.Arg392Ter (NM_001302946.2); c.1234C>T, p.Arg412Ter (NM_001367321.1, NM_001367322.1, NM_001367323.1); short protein forms R392*, R412*.
Identifiers: ClinVar variation 2157768 (VCV002157768.5), dbSNP rs372367989, ClinGen allele CA2228917.
Genomic context (GRCh38, chr3:3,148,083, plus strand): 5'-GACATCAGAAAAGTGGGCATTTCTTCAGGAAAAGAAATTGGGGCTCTATTACAACAGTTG[C>T]GAGAACAGTGGAAAAAAAGTGGTTACCAAATGGAAAAAGATGAACTTCTGAGTTACATAA-3'